The following is an entry in ClinVar:

NM_002292.4(LAMB2):c.4070C>T (p.Pro1357Leu)

Gene: LAMB2 (laminin subunit beta 2; minus strand). Cytogenetic location: 3p21.31.
Variant type: single nucleotide variant.
Coding change: c.4070C>T on transcript NM_002292.4 (MANE Select); coding-DNA position 4070, C replaced by T.
Protein change: p.Pro1357Leu; replaces proline 1357 with leucine.
Molecular consequence: missense variant.
Genome position (GRCh38, 1-based): chr3:49,123,286, G>A on the plus strand (C>T on the coding strand, the complement: LAMB2 is on the minus strand). VCF-style: chr3-49123286-G-A. GRCh37 (hg19) VCF-style: chr3-49160719-G-A.
Other names: short protein forms P1357L.
Identifiers: ClinVar variation 1521297 (VCV001521297.9), dbSNP rs141074838, ClinGen allele CA2393879.
Genomic context (GRCh38, chr3:49,123,286, plus strand): 5'-TCCTTCTGAGCATCCATCAGTGCCTCTGTCCGATGCCGAGCACTTGCCGAGTTGCTCACA[G>A]GGCTAGGTACTGCCAGGGCTGAGGTATTGGCACGACGTTCTGCCTCTGCAGACTGGCTAT-3'
Protein context (NP_002283.3, residues 1347-1367): ANTSALAVPS[Pro1357Leu]VSNSASARHR

ClinVar aggregate classification (germline): Uncertain significance. Review status: criteria provided, multiple submitters, no conflicts (2 of 4 stars). 4 submissions from 4 submitters: Uncertain significance (4). Last evaluated 2024-06-17.

Conditions:
Pierson syndrome. Also called: MICROCORIA-CONGENITAL NEPHROTIC SYNDROME. Identifiers: Orphanet 2670, MedGen C1836876, MONDO:0012184, OMIM 609049.
LAMB2-related infantile-onset nephrotic syndrome. Also called: Nephrotic Syndrome, type 5; NEPHROTIC SYNDROME, TYPE 5, WITHOUT OCULAR ABNORMALITIES; NEPHROTIC SYNDROME, TYPE 5, WITH OCULAR ABNORMALITIES. Identifiers: Orphanet 306507, MedGen C3280113, MONDO:0013621, OMIM 614199.
Inborn genetic diseases. Identifiers: MedGen C0950123, MeSH D030342.
Kidney disorder. Also called: renal disorder; Kidney disease; Kidney Diseases; renal disease; Nephropathy. Identifiers: MedGen C0022658, MONDO:0005240, HP:0000112.

Allele frequency attached by ClinVar (database versions not stated): gnomAD exomes 0.00001 and 0.00004; ExAC 0.00003; gnomAD 0.00013 and 0.00014; ESP Exome Variant Server 0.00015; TOPMed 0.00022; 1000 Genomes Project 30x 0.00031; 1000 Genomes Project 0.00040.
gnomAD v4.1: 46 of 1,614,132 alleles (0.0028%); highest among the groups gnomAD compares: African/African-American, 0.049%; no homozygotes.

Submissions (4):

Fulgent Genetics
Classification: Uncertain significance for Pierson syndrome; LAMB2-related infantile-onset nephrotic syndrome. Last evaluated: 2024-06-17. Review status: criteria provided, single submitter. Criteria: ACMG Guidelines, 2015. Collection method: clinical testing. Allele origin: germline.

Ambry Genetics
Classification: Uncertain significance for Inborn genetic diseases. Last evaluated: 2024-05-30. Review status: criteria provided, single submitter. Criteria: Ambry Variant Classification Scheme 2023. Collection method: clinical testing. Allele origin: germline.

Labcorp Genetics (formerly Invitae), Labcorp
Classification: Uncertain significance for LAMB2-related infantile-onset nephrotic syndrome; Pierson syndrome. Last evaluated: 2022-07-17. Review status: criteria provided, single submitter. Criteria: Invitae Variant Classification Sherloc (09022015). Collection method: clinical testing. Allele origin: germline.
Comment: This sequence change replaces proline, which is neutral and non-polar, with leucine, which is neutral and non-polar, at codon 1357 of the LAMB2 protein (p.Pro1357Leu). This variant is present in population databases (rs141074838, gnomAD 0.06%). This variant has not been reported in the literature in individuals affected with LAMB2-related conditions. ClinVar contains an entry for this variant (Variation ID: 1521297). Algorithms developed to predict the effect of missense changes on protein structure and function output the following: SIFT: "Deleterious"; PolyPhen-2: "Benign"; Align-GVGD: "Class C65". The leucine amino acid residue is found in multiple mammalian species, which suggests that this missense change does not adversely affect protein function. In summary, the available evidence is currently insufficient to determine the role of this variant in disease. Therefore, it has been classified as a Variant of Uncertain Significance.

Genome Diagnostics Laboratory, The Hospital for Sick Children
Classification: Uncertain significance for Kidney disorder. Last evaluated: 2018-06-01. Review status: criteria provided, single submitter. Criteria: ACMG Guidelines, 2015. Collection method: clinical testing. Allele origin: germline.